The following is an entry in ClinVar:

ClinVar aggregate classification (germline): Uncertain significance (1 of 4 stars; one submission).

Conditions:
Multiple endocrine neoplasia, type 1 (MEN1). Also called: MEA I; MEN I; WERMER SYNDROME; Endocrine adenomatosis multiple; MEN 1. Identifiers: Orphanet 652, MedGen C0025267, MeSH D018761, MONDO:0007540, OMIM 131100.

Submission:

Labcorp Genetics (formerly Invitae), Labcorp
Classification: Uncertain significance for Multiple endocrine neoplasia, type 1. Last evaluated: 2023-10-06. Review status: criteria provided, single submitter. Criteria: Invitae Variant Classification Sherloc (09022015). Collection method: clinical testing. Allele origin: germline.
Comment: This sequence change replaces proline, which is neutral and non-polar, with histidine, which is basic and polar, at codon 430 of the MEN1 protein (p.Pro430His). This variant is not present in population databases (gnomAD no frequency). This variant has not been reported in the literature in individuals affected with MEN1-related conditions. Advanced modeling of protein sequence and biophysical properties (such as structural, functional, and spatial information, amino acid conservation, physicochemical variation, residue mobility, and thermodynamic stability) performed at Invitae indicates that this missense variant is expected to disrupt MEN1 protein function. In summary, the available evidence is currently insufficient to determine the role of this variant in disease. Therefore, it has been classified as a Variant of Uncertain Significance.

NM_001370259.2(MEN1):c.1289C>A (p.Pro430His)

Gene: MEN1 (menin 1; minus strand). Cytogenetic location: 11q13.1.
Variant type: single nucleotide variant.
Coding change: c.1289C>A on transcript NM_001370259.2 (MANE Select); coding-DNA position 1289, C replaced by A.
Protein change: p.Pro430His; replaces proline 430 with histidine.
Molecular consequence: missense variant. On other transcripts: non-coding transcript variant (4), intron variant (1).
Genome position (GRCh38, 1-based): chr11:64,805,095, G>T on the plus strand (C>A on the coding strand, the complement: MEN1 is on the minus strand). VCF-style: chr11-64805095-G-T. GRCh37 (hg19) VCF-style: chr11-64572567-G-T.
Other names: c.1184C>A, p.Pro395His (NM_001407149.1, NM_001370262.2, NM_001370263.2 and 1 more transcripts); c.1430C>A, p.Pro477His (NM_001407150.1); c.1310C>A, p.Pro437His (NM_001407151.1); c.1289C>A, p.Pro430His (NM_130799.3, NM_001370260.2, NM_001370261.2 and 2 more transcripts); c.1304C>A, p.Pro435His (NM_130800.3, NM_130801.3, NM_130802.3 and 4 more transcripts); c.1186-279C>A (NM_001407152.1); c.1415C>A, p.Pro472His (NM_001370251.2, NM_001407142.1, NM_001407143.1 and 1 more transcripts); short protein forms P395H, P472H, P477H, P435H, P437H, P430H.
Identifiers: ClinVar variation 2766341 (VCV002766341.3), dbSNP rs2497143153, ClinGen allele CA381180284.